The following is an entry in ClinVar:

NM_138576.4(BCL11B):c.784C>T (p.Arg262Trp)

Gene: BCL11B (BCL11 transcription factor B; minus strand). Cytogenetic location: 14q32.2.
Variant type: single nucleotide variant.
Coding change: c.784C>T on transcript NM_138576.4 (MANE Select); coding-DNA position 784, C replaced by T.
Protein change: p.Arg262Trp; replaces arginine 262 with tryptophan.
Molecular consequence: missense variant.
Genome position (GRCh38, 1-based): chr14:99,176,052, G>A on the plus strand (C>T on the coding strand, the complement: BCL11B is on the minus strand). VCF-style: chr14-99176052-G-A. GRCh37 (hg19) VCF-style: chr14-99642389-G-A.
Other names: c.781C>T, p.Arg261Trp (NM_001282237.2); c.568C>T, p.Arg190Trp (NM_001282238.2); c.571C>T, p.Arg191Trp (NM_022898.3); short protein forms R190W, R191W, R261W, R262W.
Identifiers: ClinVar variation 3363652 (VCV003363652.2).

ClinVar aggregate classification (germline): Uncertain significance (1 of 4 stars; one submission).

Submission:

GeneDx
Classification: Uncertain significance. Last evaluated: 2025-07-10. Review status: criteria provided, single submitter. Criteria: GeneDx Variant Classification Process June 2021. Collection method: clinical testing. Allele origin: germline.
Comment: Not observed at significant frequency in large population cohorts (gnomAD); In silico analysis supports that this missense variant has a deleterious effect on protein structure/function; Has not been previously published as pathogenic or benign to our knowledge